The following is an entry in ClinVar:

NM_006015.6(ARID1A):c.1642C>T (p.Gln548Ter)

Gene: ARID1A (AT-rich interaction domain 1A; plus strand). Cytogenetic location: 1p36.11.
Variant type: single nucleotide variant.
Coding change: c.1642C>T on transcript NM_006015.6 (MANE Select); coding-DNA position 1642, C replaced by T.
Protein change: p.Gln548Ter; replaces glutamine 548 with a stop codon.
Molecular consequence: nonsense.
Genome position (GRCh38, 1-based): chr1:26,731,443, C>T. VCF-style: chr1-26731443-C-T. GRCh37 (hg19) VCF-style: chr1-27057934-C-T.
Other names: c.1642C>T, p.Gln548Ter (NM_139135.4); c.1642C>T (NM_006015.4); short protein forms Q548*.
Identifiers: ClinVar variation 1675353 (VCV001675353.34), dbSNP rs2124789497, ClinGen allele CA339268520.

ClinVar aggregate classification (germline): Pathogenic. Review status: criteria provided, multiple submitters, no conflicts (2 of 4 stars). 2 submissions from 2 submitters: Pathogenic (2). Last evaluated 2022-10-01.

Conditions:
Intellectual disability, autosomal dominant 14 (CSS2). Also called: COFFIN-SIRIS SYNDROME 2. Identifiers: Orphanet 1465, MedGen C3553247, MONDO:0013819, OMIM 614607.

Submissions (2):

CeGaT Center for Human Genetics Tuebingen
Classification: Pathogenic. Last evaluated: 2022-10-01. Review status: criteria provided, single submitter. Criteria: CeGaT Center For Human Genetics Tuebingen Variant Classification Criteria Version 2. Collection method: clinical testing. Allele origin: germline. Affected: yes. Observed: 2 variant alleles.
Comment: ARID1A: PVS1, PM2

Molecular Genetics Lab, CHRU Brest
Classification: Pathogenic for Intellectual disability, autosomal dominant 14. Review status: criteria provided, single submitter. Criteria: ACMG Guidelines, 2015. Collection method: clinical testing. Allele origin: de novo. Affected: yes.